The following is an entry in ClinVar:

ClinVar aggregate classification (germline): Uncertain significance. Review status: criteria provided, single submitter (1 of 4 stars). 2 submissions from 2 submitters: Uncertain significance (1). 1 of the submissions does not count toward it. Last evaluated 2026-01-28.

Allele frequency attached by ClinVar (database versions not stated): ESP Exome Variant Server 0.00008; gnomAD exomes 0.00010 and 0.00013; ExAC 0.00012; gnomAD 0.00016 and 0.00020; TOPMed 0.00022.
gnomAD v4.1: 174 of 1,614,022 alleles (0.011%); highest among the groups gnomAD compares: Admixed American, 0.077%; no homozygotes.

Submissions (2):

Labcorp Genetics (formerly Invitae), Labcorp
Classification: Uncertain significance. Last evaluated: 2026-01-28. Review status: criteria provided, single submitter. Criteria: Invitae Variant Classification Sherloc (09022015). Collection method: clinical testing. Allele origin: germline.
Comment: This sequence change replaces methionine, which is neutral and non-polar, with threonine, which is neutral and polar, at codon 567 of the EPAS1 protein (p.Met567Thr). This variant is present in population databases (rs374224241, gnomAD 0.06%), and has an allele count higher than expected for a pathogenic variant. This missense change has been observed in individual(s) with pheochromocytoma (PMID: 23418310). ClinVar contains an entry for this variant (Variation ID: 1049139). An algorithm developed to predict the effect of missense changes on protein structure and function (PolyPhen-2) suggests that this variant is likely to be tolerated. In summary, the available evidence is currently insufficient to determine the role of this variant in disease. Therefore, it has been classified as a Variant of Uncertain Significance.

Department of Pathology and Laboratory Medicine, Sinai Health System
Classification: Uncertain significance. Review status: no assertion criteria provided. Collection method: clinical testing. Allele origin: unknown. Affected: yes. Study: The Canadian Open Genetics Repository (COGR). Not counted in ClinVar's aggregate classification.
Comment: The EPAS1 p.Met567Thr variant was not identified in the ClinVar, Cosmic or MutDB databases. The variant was identified in dbSNP (ID: rs374224241), LOVD 3.0 and in control databases in 34 of 282780 chromosomes at a frequency of 0.00012 (Genome Aggregation Database Feb 27, 2017). The variant was observed in the following populations: Latino in 21 of 35430 chromosomes (freq: 0.000593), Other in 1 of 7226 chromosomes (freq: 0.000138), African in 3 of 24952 chromosomes (freq: 0.00012) and European (non-Finnish) in 9 of 129126 chromosomes (freq: 0.00007), but was not observed in the Ashkenazi Jewish, East Asian, European (Finnish), and South Asian populations. The p.Met567 residue is conserved in mammals but not in more distantly related organisms and computational analyses (PolyPhen-2, SIFT, AlignGVGD, BLOSUM, and MutationTaster) provide inconsistent predictions regarding the impact to the protein; this information is not very predictive of pathogenicity. In summary, based on the above information the clinical significance of this variant cannot be determined with certainty at this time. This variant is classified as a variant of uncertain significance.

Literature cited by the submitters: PubMed 23418310 (cited by Labcorp Genetics (formerly Invitae), Labcorp).

NM_001430.5(EPAS1):c.1700T>C (p.Met567Thr)

Gene: EPAS1 (endothelial PAS domain protein 1; plus strand). Cytogenetic location: 2p21.
Variant type: single nucleotide variant.
Coding change: c.1700T>C on transcript NM_001430.5 (MANE Select); coding-DNA position 1700, T replaced by C.
Protein change: p.Met567Thr; replaces methionine 567 with threonine.
Molecular consequence: missense variant.
Genome position (GRCh38, 1-based): chr2:46,380,372, T>C. VCF-style: chr2-46380372-T-C. GRCh37 (hg19) VCF-style: chr2-46607511-T-C.
Other names: short protein forms M567T.
Identifiers: ClinVar variation 1049139 (VCV001049139.6), dbSNP rs374224241, ClinGen allele CA1645087.